The following is an entry in ClinVar:

ClinVar aggregate classification (germline): Likely benign. Review status: criteria provided, multiple submitters, no conflicts (2 of 4 stars). 3 submissions from 3 submitters: Likely benign (3). Last evaluated 2026-05-14.

Conditions:
MBOAT7-related disorder. Also called: MBOAT7-related condition.

gnomAD v4.1: 115 of 1,600,108 alleles (0.0072%); highest among the groups gnomAD compares: African/African-American, 0.14%; no homozygotes.

Submissions (3):

PreventionGenetics, part of Exact Sciences
Classification: Likely benign for MBOAT7-related condition. Last evaluated: 2026-05-14. Review status: criteria provided, single submitter. Criteria: ACMG Guidelines, 2015. Collection method: clinical testing. Allele origin: germline.
Comment: This variant is classified as likely benign based on ACMG/AMP sequence variant interpretation guidelines (Richards et al. 2015 PMID: 25741868, with internal and published modifications).

CeGaT Center for Human Genetics Tuebingen
Classification: Likely benign. Last evaluated: 2025-10-01. Review status: criteria provided, single submitter. Criteria: CeGaT Center For Human Genetics Tuebingen Variant Classification Criteria Version 2. Collection method: clinical testing. Allele origin: germline. Affected: yes. Observed: 1 variant allele.
Comment: MBOAT7: BP4, BP7

Blueprint Genetics
Classification: Likely benign. Last evaluated: 2023-01-27. Review status: criteria provided, single submitter. Criteria: ACMG Guidelines, 2015. Collection method: clinical testing. Allele origin: germline.

NM_024298.5(MBOAT7):c.1281C>G (p.Ala427=)

Gene: MBOAT7 (membrane bound acylglycerophosphatidylinositol O-acyltransferase MBOAT7; minus strand). Cytogenetic location: 19q13.42.
Variant type: single nucleotide variant.
Coding change: c.1281C>G on transcript NM_024298.5 (MANE Select); coding-DNA position 1281, C replaced by G.
Protein change: p.Ala427=; no amino-acid change (alanine 427 retained).
Molecular consequence: synonymous variant.
Genome position (GRCh38, 1-based): chr19:54,174,182, G>C on the plus strand (C>G on the coding strand, the complement: MBOAT7 is on the minus strand). VCF-style: chr19-54174182-G-C. GRCh37 (hg19) VCF-style: chr19-54677876-G-C.
Other names: c.1062C>G, p.Ala354= (NM_001146056.3, NM_001146083.3); c.1281C>G (NM_024298.4).
Identifiers: ClinVar variation 4534194 (VCV004534194.8).